The following is an entry in ClinVar:

NM_001567.4(INPPL1):c.3760C>G (p.Leu1254Val)

Gene: INPPL1 (inositol polyphosphate phosphatase like 1; plus strand). Cytogenetic location: 11q13.4.
Variant type: single nucleotide variant.
Coding change: c.3760C>G on transcript NM_001567.4 (MANE Select); coding-DNA position 3760, C replaced by G.
Protein change: p.Leu1254Val; replaces leucine 1254 with valine.
Molecular consequence: missense variant.
Genome position (GRCh38, 1-based): chr11:72,238,336, C>G. VCF-style: chr11-72238336-C-G. GRCh37 (hg19) VCF-style: chr11-71949380-C-G.
Other names: c.3760C>G (NM_001567.3); short protein forms L1254V.
Identifiers: ClinVar variation 1433267 (VCV001433267.7), dbSNP rs769105797, ClinGen allele CA6170777.

ClinVar aggregate classification (germline): Uncertain significance. Review status: criteria provided, multiple submitters, no conflicts (2 of 4 stars). 2 submissions from 2 submitters: Uncertain significance (2). Last evaluated 2025-09-02.

Conditions:
Inborn genetic diseases. Identifiers: MedGen C0950123, MeSH D030342.

Allele frequency attached by ClinVar (database versions not stated): TOPMed 0.00001; gnomAD exomes below 0.00001; ExAC 0.00001.
gnomAD v4.1: 1 of 1,564,952 alleles (0.000064%); highest among the groups gnomAD compares: Non-Finnish European, 0.000086%; no homozygotes.

Submissions (2):

Labcorp Genetics (formerly Invitae), Labcorp
Classification: Uncertain significance. Last evaluated: 2025-09-02. Review status: criteria provided, single submitter. Criteria: Invitae Variant Classification Sherloc (09022015). Collection method: clinical testing. Allele origin: germline.
Comment: This sequence change replaces leucine, which is neutral and non-polar, with valine, which is neutral and non-polar, at codon 1254 of the INPPL1 protein (p.Leu1254Val). This variant is present in population databases (rs769105797, gnomAD 0.001%). This variant has not been reported in the literature in individuals affected with INPPL1-related conditions. ClinVar contains an entry for this variant (Variation ID: 1433267). Experimental studies and prediction algorithms are not available or were not evaluated, and the functional significance of this variant is currently unknown. In summary, the available evidence is currently insufficient to determine the role of this variant in disease. Therefore, it has been classified as a Variant of Uncertain Significance.

Ambry Genetics
Classification: Uncertain significance for Inborn genetic diseases. Last evaluated: 2025-08-29. Review status: criteria provided, single submitter. Criteria: Ambry Variant Classification Scheme 2023. Collection method: clinical testing. Allele origin: germline.